The following is an entry in ClinVar:

NM_006231.4(POLE):c.1769T>A (p.Val590Glu)

Gene: POLE (DNA polymerase epsilon, catalytic subunit; minus strand). Cytogenetic location: 12q24.33.
Variant type: single nucleotide variant.
Coding change: c.1769T>A on transcript NM_006231.4 (MANE Select); coding-DNA position 1769, T replaced by A.
Protein change: p.Val590Glu; replaces valine 590 with glutamic acid.
Molecular consequence: missense variant.
Genome position (GRCh38, 1-based): chr12:132,672,240, A>T on the plus strand (T>A on the coding strand, the complement: POLE is on the minus strand). VCF-style: chr12-132672240-A-T. GRCh37 (hg19) VCF-style: chr12-133248826-A-T.
Other names: short protein forms V590E.
Identifiers: ClinVar variation 642513 (VCV000642513.8), dbSNP rs1593069291, ClinGen allele CA387356258.

ClinVar aggregate classification (germline): Uncertain significance (1 of 4 stars; one submission).

Submission:

Labcorp Genetics (formerly Invitae), Labcorp
Classification: Uncertain significance. Last evaluated: 2018-09-21. Review status: criteria provided, single submitter. Criteria: Invitae Variant Classification Sherloc (09022015). Collection method: clinical testing. Allele origin: germline.
Comment: This sequence change replaces valine with glutamic acid at codon 590 of the POLE protein (p.Val590Glu). The valine residue is weakly conserved and there is a moderate physicochemical difference between valine and glutamic acid. This variant is not present in population databases (ExAC no frequency). This variant has not been reported in the literature in individuals with POLE-related disease. Algorithms developed to predict the effect of missense changes on protein structure and function are either unavailable or do not agree on the potential impact of this missense change (SIFT: "Deleterious"; PolyPhen-2: "Benign"; Align-GVGD: "Class C35"). In summary, the available evidence is currently insufficient to determine the role of this variant in disease. Therefore, it has been classified as a Variant of Uncertain Significance.